The following is an entry in ClinVar:

NM_000540.3(RYR1):c.7237G>A (p.Glu2413Lys)

Gene: RYR1 (ryanodine receptor 1; plus strand). Cytogenetic location: 19q13.2.
Variant type: single nucleotide variant.
Coding change: c.7237G>A on transcript NM_000540.3 (MANE Select); coding-DNA position 7237, G replaced by A.
Protein change: p.Glu2413Lys; replaces glutamic acid 2413 with lysine.
Molecular consequence: missense variant.
Genome position (GRCh38, 1-based): chr19:38,499,930, G>A. VCF-style: chr19-38499930-G-A. GRCh37 (hg19) VCF-style: chr19-38990570-G-A.
Other names: c.7237G>A, p.Glu2413Lys (NM_001042723.2); short protein forms E2413K.
Identifiers: ClinVar variation 2420454 (VCV002420454.9), dbSNP rs1555783458, ClinGen allele CA405669144.

ClinVar aggregate classification (germline): Uncertain significance. Review status: criteria provided, multiple submitters, no conflicts (2 of 4 stars). 3 submissions from 3 submitters: Uncertain significance (3). Last evaluated 2025-05-30.

Conditions:
RYR1-related disorder. Also called: RYR1-related condition; RYR1-related disorders. Identifiers: MedGen CN239331.
Malignant hyperthermia, susceptibility to, 1 (MHS1). Also called: Anesthesia related hyperthermia; Malignant hyperpyrexia; Fulminating hyperpyrexia; Pharmacogenic myopathy; RYR1-Related Malignant Hyperthermia Susceptibility; Malignant hyperthermia suceptibility 1. Identifiers: Orphanet 423, MedGen C2930980, MONDO:0007783, OMIM 145600.

Allele frequency attached by ClinVar (database versions not stated): gnomAD exomes below 0.00001; gnomAD 0.00002.
gnomAD v4.1: 4 of 1,613,670 alleles (0.00025%); highest among the groups gnomAD compares: African/African-American, 0.004%; no homozygotes.

Submissions (3):

Color Diagnostics, LLC DBA Color Health
Classification: Uncertain significance for Malignant hyperthermia, susceptibility to, 1. Last evaluated: 2025-05-30. Review status: criteria provided, single submitter. Criteria: ACMG Guidelines, 2015. Collection method: clinical testing. Allele origin: germline.
Comment: This missense variant replaces glutamic acid with lysine at codon 2413 of the RYR1 protein. Computational prediction suggests that this variant may have deleterious impact on protein structure and function. To our knowledge, functional studies have not been reported for this variant. This variant has not been reported in individuals affected with RYR1-related disorders in the literature. This variant has not been identified in the general population by the Genome Aggregation Database (gnomAD). The available evidence is insufficient to determine the role of this variant in disease conclusively. Therefore, this variant is classified as a Variant of Uncertain Significance.

Labcorp Genetics (formerly Invitae), Labcorp
Classification: Uncertain significance for RYR1-related disorder. Last evaluated: 2024-02-09. Review status: criteria provided, single submitter. Criteria: Invitae Variant Classification Sherloc (09022015). Collection method: clinical testing. Allele origin: germline.
Comment: This sequence change replaces glutamic acid, which is acidic and polar, with lysine, which is basic and polar, at codon 2413 of the RYR1 protein (p.Glu2413Lys). This variant is not present in population databases (gnomAD no frequency). This variant has not been reported in the literature in individuals affected with RYR1-related conditions. ClinVar contains an entry for this variant (Variation ID: 2420454). Advanced modeling of protein sequence and biophysical properties (such as structural, functional, and spatial information, amino acid conservation, physicochemical variation, residue mobility, and thermodynamic stability) has been performed at Invitae for this missense variant, however the output from this modeling did not meet the statistical confidence thresholds required to predict the impact of this variant on RYR1 protein function. In summary, the available evidence is currently insufficient to determine the role of this variant in disease. Therefore, it has been classified as a Variant of Uncertain Significance.

Revvity Omics, Revvity
Classification: Uncertain significance. Last evaluated: 2021-02-09. Review status: criteria provided, single submitter. Criteria: ACMG Guidelines, 2015. Collection method: clinical testing. Allele origin: germline.